The following is an entry in ClinVar:

ClinVar aggregate classification (germline): Conflicting classifications of pathogenicity. Review status: criteria provided, conflicting classifications (1 of 4 stars). 7 submissions from 7 submitters: Uncertain significance (6); Likely benign (1). Last evaluated 2026-03-21.

Conditions:
MYH6-related disorder. Also called: MYH6-related condition; MYH6-Related Disorders.
Cardiovascular phenotype. Identifiers: MedGen CN230736.
Hypertrophic cardiomyopathy 14. Identifiers: MedGen C2750467, MONDO:0013197, OMIM 613251.
Primary familial hypertrophic cardiomyopathy (HCM). Identifiers: Orphanet 99739, MedGen C0949658, MeSH D024741, MONDO:0024573. Inheritance: Various modes of inheritance.

Allele frequency attached by ClinVar (database versions not stated): ExAC 0.00002; gnomAD exomes 0.00004; gnomAD 0.00006; TOPMed 0.00011; ESP Exome Variant Server 0.00015.
gnomAD v4.1: 33 of 1,614,036 alleles (0.002%); highest among the groups gnomAD compares: Admixed American, 0.017%; 1 homozygote.

Submissions (7):

PreventionGenetics, part of Exact Sciences
Classification: Uncertain significance for MYH6-related condition. Last evaluated: 2026-03-21. Review status: criteria provided, single submitter. Criteria: ACMG Guidelines, 2015. Collection method: clinical testing. Allele origin: germline.
Comment: The MYH6 c.1702C>T variant is predicted to result in the amino acid substitution p.Arg568Cys. This variant has been reported in individuals with dilated cardiomyopathy, peripartum cardiomyopathy, or left ventricular noncompaction (Hershberger et al. 2010. PubMed ID: 20215591; Morales et al. 2010. PubMed ID: 20458009; Table S5, Chami et al. 2014. PubMed ID: 25448463; Table S2, Mazzarotto et al. 2021. PubMed ID: 33500567; Table S1, Ware et al. 2022. PubMed ID: 35026164). However, this variant has also been documented in the general population (Andreasen et al. 2013. PubMed ID: 23299917) and was found to co-occur with a pathogenic MYBPC3 variant in at least one case of sudden unexpected cardiac death (Williams et al. 2018. PubMed ID: 30282064). This variant is reported in 0.023% of alleles in individuals of Latino descent in gnomAD. At this time, the clinical significance of this variant is uncertain due to the absence of conclusive functional and genetic evidence.

Ambry Genetics
Classification: Uncertain significance for Cardiovascular phenotype. Last evaluated: 2025-10-27. Review status: criteria provided, single submitter. Criteria: Ambry Variant Classification Scheme 2023. Collection method: clinical testing. Allele origin: germline.
Comment: The p.R568C variant (also known as c.1702C>T), located in coding exon 13 of the MYH6 gene, results from a C to T substitution at nucleotide position 1702. The arginine at codon 568 is replaced by cysteine, an amino acid with highly dissimilar properties. This variant has been reported in cohorts with dilated cardiomyopathy, left ventricular non-compaction cardiomyopathy, and hypertrophic cardiomyopathy; however, in some cases, clinical details were limited or additional variants in cardiac-related genes were also detected (Hershberger RE et al. Circ Cardiovasc Genet. 2010;3:155-61l; Mates J et al. Eur. J. Hum. Genet. 2018 07;26(7):1014-1025; Williams N et al. Cardiovasc Pathol. 2018 Sep;37:30-33; Mazzarotto F et al. Genet Med. 2021 May;23(5):856-864; Ware SM et al. Am J Hum Genet. 2022 Feb;109(2):282-298). This variant has also been seen in an exome cohort, but cardiovascular history was not provided (Andreasen C et al. Eur J Hum Genet. 2013;21:918-28). This amino acid position is well conserved in available vertebrate species. In addition, the in silico prediction for this alteration is inconclusive. Since supporting evidence is limited at this time, the clinical significance of this alteration remains unclear.

GeneDx
Classification: Uncertain significance. Last evaluated: 2025-09-25. Review status: criteria provided, single submitter. Criteria: GeneDx Variant Classification Process June 2021. Collection method: clinical testing. Allele origin: germline.
Comment: In silico analysis supports that this missense variant has a deleterious effect on protein structure/function; This variant is associated with the following publications: (PMID: 23299917, 20215591, 33500567, 30282064)

Labcorp Genetics (formerly Invitae), Labcorp
Classification: Uncertain significance for Hypertrophic cardiomyopathy 14. Last evaluated: 2024-05-25. Review status: criteria provided, single submitter. Criteria: Invitae Variant Classification Sherloc (09022015). Collection method: clinical testing. Allele origin: germline.
Comment: This sequence change replaces arginine, which is basic and polar, with cysteine, which is neutral and slightly polar, at codon 568 of the MYH6 protein (p.Arg568Cys). This variant is present in population databases (rs149650190, gnomAD 0.02%). This missense change has been observed in individual(s) with peripartum cardiomyopathy or cardiac arrest (PMID: 20215591, 30282064). ClinVar contains an entry for this variant (Variation ID: 178072). Advanced modeling of protein sequence and biophysical properties (such as structural, functional, and spatial information, amino acid conservation, physicochemical variation, residue mobility, and thermodynamic stability) performed at Invitae indicates that this missense variant is expected to disrupt MYH6 protein function with a positive predictive value of 80%. In summary, the available evidence is currently insufficient to determine the role of this variant in disease. Therefore, it has been classified as a Variant of Uncertain Significance.

Women's Health and Genetics/Laboratory Corporation of America, LabCorp
Classification: Likely benign. Last evaluated: 2021-10-17. Review status: criteria provided, single submitter. Criteria: LabCorp Variant Classification Summary - May 2015. Collection method: clinical testing. Allele origin: germline.
Comment: Variant summary: MYH6 c.1702C>T (p.Arg568Cys) results in a non-conservative amino acid change located in the Head domain (Posch_2011) of the encoded protein sequence. Four of five in-silico tools predict a damaging effect of the variant on protein function. The variant allele was found at a frequency of 4e-05 in 251458 control chromosomes. The observed variant frequency is approximately 1.6 fold of the estimated maximal expected allele frequency for a pathogenic variant in MYH6 causing Cardiomyopathy phenotype (2.5e-05), strongly suggesting that the variant is benign. c.1702C>T has been reported in the literature. A cross section of ascertainments include, an individual with peripartum cardiomyopathy who was subsequently cited by another study (example, Morales_2010 and Hershberger_2010), in controls cohorts within the ESP database (Andreasen_2013), in a study cohort of DCM families (example, Chami_2014), as a non-segregating VUS variant in a family with hypertrophic cardiomyopathy and a causative variant in the MYBPC3 gene (Williams_2018, see below). These data do not allow any conclusion about variant significance. At-least one co-occurrence with another causative pathogenic variant has been reported (MYBPC3 g.11:47368998delA, p. Phe295SerfsTer5, Williams_2018), providing supporting evidence for a benign role. To our knowledge, no experimental evidence demonstrating an impact on protein function has been reported. One clinical diagnostic laboratory has submitted clinical-significance assessments for this variant to ClinVar after 2014 and classified the variant as uncertain significance citing overlapping but not all the evidence utilized in the context of this evaluation. Based on the evidence outlined above, the variant was classified as likely benign.

Laboratory for Molecular Medicine, Mass General Brigham Personalized Medicine
Classification: Uncertain significance. Last evaluated: 2014-11-06. Review status: criteria provided, single submitter. Criteria: LMM Criteria. Collection method: clinical testing. Allele origin: germline. Observed: 1 variant allele.
Comment: Computational predi ction tools and conservation analysis do not provide strong support for or again st an impact to the protein. In summary, the clinical significance of the p.Arg5 68Cys variant is uncertain.

Molecular Diagnostic Laboratory for Inherited Cardiovascular Disease, Montreal Heart Institute
Classification: Uncertain significance for Primary familial hypertrophic cardiomyopathy. Review status: criteria provided, single submitter. Criteria: ACMG Guidelines, 2015. Collection method: clinical testing. Allele origin: germline. Affected: yes.

Literature cited by the submitters: PubMed 20215591 (cited by 4 submitters); PubMed 20458009 (cited by Ambry Genetics and Women's Health and Genetics/Laboratory Corporation of America, LabCorp); PubMed 23299917 (cited by Ambry Genetics and Women's Health and Genetics/Laboratory Corporation of America, LabCorp); PubMed 29511324 (cited by Ambry Genetics); PubMed 30282064 (cited by 3 submitters); PubMed 33500567 (cited by Ambry Genetics); PubMed 35026164 (cited by Ambry Genetics); PubMed 22194935 (cited by Women's Health and Genetics/Laboratory Corporation of America, LabCorp); PubMed 25448463 (cited by Women's Health and Genetics/Laboratory Corporation of America, LabCorp).

NM_002471.4(MYH6):c.1702C>T (p.Arg568Cys)

Gene: MYH6 (myosin heavy chain 6; minus strand). Cytogenetic location: 14q11.2.
Variant type: single nucleotide variant.
Coding change: c.1702C>T on transcript NM_002471.4 (MANE Select); coding-DNA position 1702, C replaced by T.
Protein change: p.Arg568Cys; replaces arginine 568 with cysteine.
Molecular consequence: missense variant.
Genome position (GRCh38, 1-based): chr14:23,398,917, G>A on the plus strand (C>T on the coding strand, the complement: MYH6 is on the minus strand). VCF-style: chr14-23398917-G-A. GRCh37 (hg19) VCF-style: chr14-23868126-G-A.
Other names: short protein forms R568C.
Identifiers: ClinVar variation 178072 (VCV000178072.21), dbSNP rs149650190, ClinGen allele CA181333.